The following is an entry in ClinVar:

ClinVar aggregate classification (germline): Benign (1 of 4 stars; one submission).

Conditions:
Nicolaides-Baraitser syndrome (NCBRS). Also called: SMARCA2-Related Nicolaides-Baraitser Syndrome; Intellectual disability-sparse hair-brachydactyly syndrome. Identifiers: Orphanet 3051, MedGen C1303073, MONDO:0011053, OMIM 601358.

Allele frequency attached by ClinVar (database versions not stated): TOPMed 0.00005; 1000 Genomes Project 0.00260; 1000 Genomes Project 30x 0.00297.
gnomAD v4.1: 88 of 256,410 alleles (0.034%); highest among the groups gnomAD compares: South Asian, 0.91%; 1 homozygote.

Submission:

Illumina Laboratory Services, Illumina
Classification: Benign for Nicolaides-Baraitser syndrome. Last evaluated: 2018-01-12. Review status: criteria provided, single submitter. Criteria: ICSL Variant Classification Criteria 13 December 2019. Collection method: clinical testing. Allele origin: germline.
Comment: This variant was observed in the ICSL laboratory as part of a predisposition screen in an ostensibly healthy population. It had not been previously curated by ICSL or reported in the Human Gene Mutation Database (HGMD: prior to June 1st, 2018), and was therefore a candidate for classification through an automated scoring system. Utilizing variant allele frequency, disease prevalence and penetrance estimates, and inheritance mode, an automated score was calculated to assess if this variant is too frequent to cause the disease. Based on the score and internal cut-off values, a variant classified as benign is not then subjected to further curation. The score for this variant resulted in a classification of benign for this disease.

NM_003070.5(SMARCA2):c.*324G>C

Gene: SMARCA2 (SWI/SNF related BAF chromatin remodeling complex subunit ATPase 2; plus strand). Cytogenetic location: 9p24.3.
Variant type: single nucleotide variant.
Coding change: c.*324G>C on transcript NM_003070.5 (MANE Select); 324 bases downstream of the stop codon, G replaced by C.
Molecular consequence: 3 prime UTR variant.
Genome position (GRCh38, 1-based): chr9:2,193,063, G>C. VCF-style: chr9-2193063-G-C. GRCh37 (hg19) VCF-style: chr9-2193063-G-C.
Other names: c.*324G>C (NM_001289396.2, NM_001289397.2, NM_001289398.2 and 3 more transcripts).
Identifiers: ClinVar variation 366335 (VCV000366335.5), dbSNP rs550337302, ClinGen allele CA10633274.